The following is an entry in ClinVar:

NM_003002.4(SDHD):c.267_281del (p.Ala90_Ser94del)

Gene: SDHD (succinate dehydrogenase complex subunit D; plus strand). Cytogenetic location: 11q23.1.
Variant type: Deletion.
Coding change: c.267_281del on transcript NM_003002.4 (MANE Select); coding-DNA positions 267 to 281, 15 bases deleted (TGCGATGGACTATTC).
Protein change: p.Ala90_Ser94del.
Molecular consequence: inframe deletion. On other transcripts: non-coding transcript variant (1), intron variant (1).
Genome position (GRCh38, 1-based): chr11:112,088,964-112,088,978, TGCGATGGACTATTC deleted; deleting any 15 consecutive bases within chr11:112,088,962-112,088,978 gives the same sequence; the c. name uses the placement nearest the transcript's 3' end. VCF-style (leftmost placement, unchanged base first): chr11-112088961-CTCTGCGATGGACTAT-C. GRCh37 (hg19) VCF-style: chr11-111959685-CTCTGCGATGGACTAT-C.
Other names: c.150_164del, p.Ala51_Ser55del (NM_001276504.2); c.267_281del, p.Ala90_Ser94del (NM_001276506.2); c.169+991_169+1005del (NM_001276503.2).
Identifiers: ClinVar variation 929233 (VCV000929233.1), dbSNP rs1865690107, ClinGen allele CA1139662330.

ClinVar aggregate classification (germline): Likely pathogenic (1 of 4 stars; one submission).

Conditions:
Hereditary pheochromocytoma and paraganglioma. Also called: Hereditary pheochromocytoma-paraganglioma; Hereditary Paraganglioma-Pheochromocytoma Syndromes; Hereditary paragangliomas and pheochromocytomas. Identifiers: Orphanet 29072, MedGen C4274332, MONDO:0017366.

Submission:

Women's Health and Genetics/Laboratory Corporation of America, LabCorp
Classification: Likely pathogenic for Hereditary Paraganglioma-Pheochromocytoma Syndromes. Last evaluated: 2019-05-14. Review status: criteria provided, single submitter. Criteria: LabCorp Variant Classification Summary - May 2015. Collection method: clinical testing. Allele origin: germline.
Comment: Variant summary: SDHD c.267_281del15 (p.Ala90_Ser94del) results in an in-frame deletion that is predicted to remove 5 amino acids from the encoded protein. The variant was absent in 251460 control chromosomes (gnomAD). To our knowledge, no occurrence of c.267_281del15 in individuals affected with Hereditary Paraganglioma-Pheochromocytoma Syndrome and no experimental evidence demonstrating its impact on protein function have been reported. Small in-frame deletions overlapping with our variant of interest have been reported in patients with Phaeochromocytoma (Met91_Ser94del) and Paraganglioma (Tyr93del and Asp92_Leu95del) (HGMD). In addition, missense variants affecting codon 92 that is found within the deleted region of our variant of interest have been reported numerous patients, suggesting that this region may be critical for protein function. No clinical diagnostic laboratories have submitted clinical-significance assessments for this variant to ClinVar after 2014. Based on the evidence outlined above, the variant was classified as likely pathogenic.